The following is an entry in ClinVar:

NM_020461.4(TUBGCP6):c.1891GAG[1] (p.Glu632del)

Gene: TUBGCP6 (tubulin gamma complex component 6; minus strand). Cytogenetic location: 22q13.33.
Variant type: Microsatellite.
Coding change: c.1891GAG[1] on transcript NM_020461.4 (MANE Select); one copy of the 3-base unit GAG starting at c.1891; the reference has two copies in a row; one copy, 3 bases deleted.
Protein change: p.Glu632del; deletes glutamic acid 632.
Molecular consequence: inframe deletion.
Genome position (GRCh38, 1-based): chr22:50,225,881-50,225,883, CTC deleted on the plus strand (GAG on the coding strand, the reverse complement: TUBGCP6 is on the minus strand); deleting any 3 consecutive bases within chr22:50,225,881-50,225,886 gives the same sequence; the position shown is the placement nearest the transcript's 3' end. VCF-style (leftmost placement, unchanged base first): chr22-50225880-ACTC-A. GRCh37 (hg19) VCF-style: chr22-50664309-ACTC-A.
Other names: short protein forms E632del.
Identifiers: ClinVar variation 3330257 (VCV003330257.1).

ClinVar aggregate classification (germline): Uncertain significance (1 of 4 stars; one submission).

Conditions:
Inborn genetic diseases. Identifiers: MedGen C0950123, MeSH D030342.

Submission:

Ambry Genetics
Classification: Uncertain significance for Inborn genetic diseases. Last evaluated: 2024-04-23. Review status: criteria provided, single submitter. Criteria: Ambry Variant Classification Scheme 2023. Collection method: clinical testing. Allele origin: germline.
Comment: The c.1894_1896delGAG (p.E632del) alteration is located in exon 10 (coding exon 10) of the TUBGCP6 gene. This alteration consists of an in-frame deletion of 3 nucleotides between nucleotide positions c.1894 and c.1896, resulting in the deletion of 1 residue. Based on insufficient or conflicting evidence, the clinical significance of this alteration remains unclear.